The following is an entry in ClinVar:

ClinVar aggregate classification (germline): Uncertain significance (1 of 4 stars; one submission).

Conditions:
Hereditary breast ovarian cancer syndrome. Also called: Breast and ovarian cancer; Hereditary breast and ovarian cancer syndrome; Hereditary breast and ovarian cancer syndrome (HBOC); BRCA1- and BRCA2-Associated Hereditary Breast and Ovarian Cancer; Hereditary breast and/or ovarian cancer syndrome; Hereditary breast and ovarian cancer. Identifiers: Orphanet 145, MedGen C0677776, MeSH D061325, MONDO:0003582. Disease mechanism: loss of function.

Submission:

Labcorp Genetics (formerly Invitae), Labcorp
Classification: Uncertain significance for Hereditary breast ovarian cancer syndrome. Last evaluated: 2025-04-17. Review status: criteria provided, single submitter. Criteria: Invitae Variant Classification Sherloc (09022015). Collection method: clinical testing. Allele origin: germline.
Comment: This sequence change replaces asparagine, which is neutral and polar, with lysine, which is basic and polar, at codon 1333 of the BRCA2 protein (p.Asn1333Lys). This variant is not present in population databases (gnomAD no frequency). This variant has not been reported in the literature in individuals affected with BRCA2-related conditions. Invitae Evidence Modeling of protein sequence and biophysical properties (such as structural, functional, and spatial information, amino acid conservation, physicochemical variation, residue mobility, and thermodynamic stability) indicates that this missense variant is not expected to disrupt BRCA2 protein function with a negative predictive value of 95%. In summary, the available evidence is currently insufficient to determine the role of this variant in disease. Therefore, it has been classified as a Variant of Uncertain Significance.

NM_000059.4(BRCA2):c.3999C>A (p.Asn1333Lys)

Gene: BRCA2 (BRCA2 DNA repair associated; plus strand). Cytogenetic location: 13q13.1.
Variant type: single nucleotide variant.
Coding change: c.3999C>A on transcript NM_000059.4 (MANE Select); coding-DNA position 3999, C replaced by A.
Protein change: p.Asn1333Lys; replaces asparagine 1333 with lysine.
Molecular consequence: missense variant. On other transcripts: non-coding transcript variant (1), intron variant (2).
Genome position (GRCh38, 1-based): chr13:32,338,354, C>A. VCF-style: chr13-32338354-C-A. GRCh37 (hg19) VCF-style: chr13-32912491-C-A.
Other names: c.3999C>A, p.Asn1333Lys (NM_001406719.1, NM_001406720.1, NM_001432077.1); c.1909+4967C>A (NM_001406721.1); c.425-6204C>A (NM_001406722.1); short protein forms N1333K.
Identifiers: ClinVar variation 4773254 (VCV004773254.1).